The following is an entry in ClinVar:

NM_198578.4(LRRK2):c.4363G>T (p.Asp1455Tyr)

Gene: LRRK2 (leucine rich repeat kinase 2; plus strand). Cytogenetic location: 12q12.
Variant type: single nucleotide variant.
Coding change: c.4363G>T on transcript NM_198578.4 (MANE Select); coding-DNA position 4363, G replaced by T.
Protein change: p.Asp1455Tyr; replaces aspartic acid 1455 with tyrosine.
Molecular consequence: missense variant.
Genome position (GRCh38, 1-based): chr12:40,310,476, G>T. VCF-style: chr12-40310476-G-T. GRCh37 (hg19) VCF-style: chr12-40704278-G-T.
Other names: short protein forms D1455Y.
Identifiers: ClinVar variation 1740035 (VCV001740035.2), dbSNP rs2499827037, ClinGen allele CA384418338.

ClinVar aggregate classification (germline): Uncertain significance (1 of 4 stars; one submission).

Conditions:
Inborn genetic diseases. Identifiers: MedGen C0950123, MeSH D030342.

Submission:

Ambry Genetics
Classification: Uncertain significance for Inborn genetic diseases. Last evaluated: 2021-06-22. Review status: criteria provided, single submitter. Criteria: Ambry Variant Classification Scheme 2023. Collection method: clinical testing. Allele origin: germline.
Comment: The p.D1455Y variant (also known as c.4363G>T), located in coding exon 31 of the LRRK2 gene, results from a G to T substitution at nucleotide position 4363. The aspartic acid at codon 1455 is replaced by tyrosine, an amino acid with highly dissimilar properties. This amino acid position is conserved. In addition, this alteration is predicted to be deleterious by in silico analysis. Since supporting evidence is limited at this time, the clinical significance of this alteration remains unclear.